The following is an entry in ClinVar:

NM_003922.4(HERC1):c.9758A>C (p.His3253Pro)

Gene: HERC1 (HECT and RLD domain containing E3 ubiquitin protein ligase family member 1; minus strand). Cytogenetic location: 15q22.31.
Variant type: single nucleotide variant.
Coding change: c.9758A>C on transcript NM_003922.4 (MANE Select); coding-DNA position 9758, A replaced by C.
Protein change: p.His3253Pro; replaces histidine 3253 with proline.
Molecular consequence: missense variant.
Genome position (GRCh38, 1-based): chr15:63,656,200, T>G on the plus strand (A>C on the coding strand, the complement: HERC1 is on the minus strand). VCF-style: chr15-63656200-T-G. GRCh37 (hg19) VCF-style: chr15-63948399-T-G.
Other names: short protein forms H3253P.
Identifiers: ClinVar variation 4885856 (VCV004885856.2).
Genomic context (GRCh38, chr15:63,656,200, plus strand): 5'-AGACATCCCACTGCTGTGCTCAAATAGGCCAGGCAAGAGATAGGCTTGTTAGCCTTGCTA[T>G]GCCCACCTCGTGATCGTTCTGAGGTGCTAGCCATGGCAGAAGGGCTGGTGGAGAGGCCAG-3'
Protein context (NP_003913.3, residues 3243-3263): ASTSERSRGG[His3253Pro]SKANKPISCL

ClinVar aggregate classification (germline): Uncertain significance (1 of 4 stars; one submission).

Submission:

Dasa
Classification: Uncertain significance. Last evaluated: 2026-02-01. Review status: criteria provided, single submitter. Criteria: DASA Assertion Criteria. Collection method: clinical testing. Allele origin: germline.
Comment: NM_003922.4(HERC1):c.9758A>C (p.His3253Pro) is a missense variant that results in the substitution of histidine with proline. This variant is absent from population databases. The currently available literature and clinical evidence are not sufficient to establish a definitive association between this variant and the reported condition. Therefore, this variant is classified as a variant of uncertain significance.